The following is an entry in ClinVar:

ClinVar aggregate classification (germline): Conflicting classifications of pathogenicity. Review status: criteria provided, conflicting classifications (1 of 4 stars). 4 submissions from 4 submitters: Uncertain significance (2); Likely benign (2). Last evaluated 2025-11-01.

Conditions:
ACTN1-related disorder. Also called: ACTN1-related condition.

Allele frequency attached by ClinVar (database versions not stated): TOPMed 0.00006; ESP Exome Variant Server 0.00008; ExAC 0.00009.
gnomAD v4.1: 144 of 1,613,580 alleles (0.0089%); highest among the groups gnomAD compares: Middle Eastern, 0.016%; no homozygotes.

Submissions (4):

PreventionGenetics, part of Exact Sciences
Classification: Likely benign for ACTN1-related condition. Last evaluated: 2025-11-01. Review status: criteria provided, single submitter. Criteria: ACMG Guidelines, 2015. Collection method: clinical testing. Allele origin: germline.
Comment: This variant is classified as likely benign based on ACMG/AMP sequence variant interpretation guidelines (Richards et al. 2015 PMID: 25741868, with internal and published modifications).

Labcorp Genetics (formerly Invitae), Labcorp
Classification: Uncertain significance. Last evaluated: 2025-09-22. Review status: criteria provided, single submitter. Criteria: Invitae Variant Classification Sherloc (09022015). Collection method: clinical testing. Allele origin: germline.
Comment: This sequence change replaces alanine, which is neutral and non-polar, with valine, which is neutral and non-polar, at codon 884 of the ACTN1 protein (p.Ala884Val). This variant is present in population databases (rs199901015, gnomAD 0.07%), and has an allele count higher than expected for a pathogenic variant. This variant has not been reported in the literature in individuals affected with ACTN1-related conditions. ClinVar contains an entry for this variant (Variation ID: 1326697). An algorithm developed to predict the effect of missense changes on protein structure and function (PolyPhen-2) suggests that this variant is likely to be disruptive. In summary, the available evidence is currently insufficient to determine the role of this variant in disease. Therefore, it has been classified as a Variant of Uncertain Significance.

Blueprint Genetics
Classification: Likely benign. Last evaluated: 2023-05-19. Review status: criteria provided, single submitter. Criteria: ACMG Guidelines, 2015. Collection method: clinical testing. Allele origin: germline.

GeneDx
Classification: Uncertain significance. Last evaluated: 2021-04-23. Review status: criteria provided, single submitter. Criteria: GeneDx Variant Classification Process June 2021. Collection method: clinical testing. Allele origin: germline. Affected: yes.
Comment: In silico analysis supports that this missense variant does not alter protein structure/function; Has not been previously published as pathogenic or benign to our knowledge

NM_001130004.2(ACTN1):c.2651C>T (p.Ala884Val)

Gene: ACTN1 (actinin alpha 1; minus strand). Cytogenetic location: 14q24.1.
Variant type: single nucleotide variant.
Coding change: c.2651C>T on transcript NM_001130004.2 (MANE Select); coding-DNA position 2651, C replaced by T.
Protein change: p.Ala884Val; replaces alanine 884 with valine.
Molecular consequence: missense variant.
Genome position (GRCh38, 1-based): chr14:68,874,953, G>A on the plus strand (C>T on the coding strand, the complement: ACTN1 is on the minus strand). VCF-style: chr14-68874953-G-A. GRCh37 (hg19) VCF-style: chr14-69341670-G-A.
Other names: c.2585C>T, p.Ala862Val (NM_001102.4); c.2570C>T, p.Ala857Val (NM_001130005.2); short protein forms A857V, A862V, A884V.
Identifiers: ClinVar variation 1326697 (VCV001326697.7), dbSNP rs199901015, ClinGen allele CA7241888.